The following is an entry in ClinVar:

NM_000059.4(BRCA2):c.1636del (p.Cys546fs)

Gene: BRCA2 (BRCA2 DNA repair associated; plus strand). Cytogenetic location: 13q13.1.
Variant type: Deletion.
Coding change: c.1636del on transcript NM_000059.4 (MANE Select); coding-DNA position 1636, one base deleted (T; older notation c.1636delT).
Protein change: p.Cys546fs; shifts the reading frame from cysteine 546.
Molecular consequence: frameshift variant.
Genome position (GRCh38, 1-based): chr13:32,333,114, T deleted; the last of 3 consecutive T bases (chr13:32,333,112-32,333,114); deleting any one gives the same sequence. VCF-style (leftmost placement, unchanged base first): chr13-32333111-GT-G. GRCh37 (hg19) VCF-style: chr13-32907248-GT-G.
Other names: c.1636delT (NM_000059.3).
Identifiers: ClinVar variation 51162 (VCV000051162.7), dbSNP rs397507598, ClinGen allele CA012707.
Genomic context (GRCh38, chr13:32,333,111, plus strand): 5'-ACTGATCCAAACTTTAAAAAAGAAACTGAAGCCTCTGAAAGTGGACTGGAAATACATACT[GT>G]TTGCTCACAGAAGGAGGACTCCTTATGTCCAAATTTAATTGATAATGGAAGCTGGCCAGC-3'

ClinVar aggregate classification (germline): Pathogenic. Review status: reviewed by expert panel (3 of 4 stars). 5 submissions from 4 submitters: Pathogenic (1). 4 of the submissions do not count toward it. Last evaluated 2016-09-08.

Conditions:
Pancreatic cancer, susceptibility to, 2. Identifiers: Orphanet 1333, MedGen C3150546, MONDO:0013235, OMIM 613347.
Glioma susceptibility 3 (GLM3). Also called: Glioblastoma 3. Identifiers: Orphanet 182067, Orphanet 360, MedGen C2751641, MONDO:0013093, OMIM 613029.
Familial prostate cancer. Also called: Hereditary Prostate Cancer. Identifiers: MedGen C2931456, MONDO:0700275, OMIM 176807.
Breast-ovarian cancer, familial, susceptibility to, 2 (BROVCA2). Also called: BRCA2 Hereditary Breast and Ovarian Cancer. Identifiers: Orphanet 145, MedGen C2675520, MONDO:0012933, OMIM 612555. Disease mechanism: loss of function.
Fanconi anemia complementation group D1. Also called: BRCA2-Related Fanconi Anemia. Identifiers: Orphanet 319462, MedGen C1838457, MONDO:0011584, OMIM 605724.
Medulloblastoma (MDB). Also called: Medulloblastoma, somatic; MEDULLOBLASTOMA PREDISPOSITION SYNDROME. Identifiers: Orphanet 616, MedGen C0025149, MeSH D008527, MONDO:0007959, OMIM 155255, HP:0002885.
Wilms tumor 1 (WT1). Also called: Wilms tumor, somatic. Identifiers: Orphanet 654, MedGen CN033288, MONDO:0008679, OMIM 194070.
Familial cancer of breast. Also called: BREAST CANCER, FAMILIAL; hereditary breast carcinoma; Hereditary breast cancer. Identifiers: Orphanet 227535, MedGen C0346153, MONDO:0016419, OMIM 114480. Disease mechanism: loss of function.
Hereditary breast ovarian cancer syndrome. Also called: Breast and ovarian cancer; Hereditary breast and ovarian cancer; Hereditary breast and ovarian cancer syndrome (HBOC); Hereditary breast and ovarian cancer syndrome; BRCA1- and BRCA2-Associated Hereditary Breast and Ovarian Cancer; Hereditary breast and/or ovarian cancer syndrome. Identifiers: Orphanet 145, MedGen C0677776, MeSH D061325, MONDO:0003582. Disease mechanism: loss of function.

Submissions (5):

Evidence-based Network for the Interpretation of Germline Mutant Alleles (ENIGMA)
Classification: Pathogenic for Breast-ovarian cancer, familial, susceptibility to, 2. Last evaluated: 2016-09-08. Review status: reviewed by expert panel. Criteria: ENIGMA BRCA1/2 Classification Criteria (2015). Collection method: curation. Allele origin: germline.
Comment: Variant allele predicted to encode a truncated non-functional protein.

Labcorp Genetics (formerly Invitae), Labcorp
Classification: Pathogenic for Hereditary breast ovarian cancer syndrome. Last evaluated: 2025-04-30. Review status: criteria provided, single submitter. Criteria: Invitae Variant Classification Sherloc (09022015). Collection method: clinical testing. Allele origin: germline. Not counted in ClinVar's aggregate classification.
Comment: This sequence change creates a premature translational stop signal (p.Cys546Alafs*12) in the BRCA2 gene. It is expected to result in an absent or disrupted protein product. Loss-of-function variants in BRCA2 are known to be pathogenic (PMID: 20104584). This variant is not present in population databases (gnomAD no frequency). This premature translational stop signal has been observed in individual(s) with ovarian cancer (PMID: 27836010). ClinVar contains an entry for this variant (Variation ID: 51162). For these reasons, this variant has been classified as Pathogenic.

Department of Pathology and Laboratory Medicine, Sinai Health System
Classification: Pathogenic for Familial cancer of breast; Medulloblastoma; Familial prostate cancer; Wilms tumor 1; Fanconi anemia complementation group D1; Breast-ovarian cancer, familial, susceptibility to, 2; Glioma susceptibility 3; Pancreatic cancer, susceptibility to, 2. Last evaluated: 2022-09-16. Review status: criteria provided, single submitter. Criteria: ACMG Guidelines, 2015. Collection method: clinical testing. Allele origin: germline. Affected: no. Not counted in ClinVar's aggregate classification.

Consortium of Investigators of Modifiers of BRCA1/2 (CIMBA), c/o University of Cambridge
Classification: Pathogenic for Breast-ovarian cancer, familial, susceptibility to, 2. Last evaluated: 2015-10-02. Review status: criteria provided, single submitter. Criteria: CIMBA Mutation Classification guidelines May 2016. Collection method: clinical testing. Allele origin: germline. Not counted in ClinVar's aggregate classification.

Labcorp Genetics (formerly Invitae), Labcorp
No classification provided. Condition: Familial cancer of breast. Last evaluated: 2013-02-01. Review status: no classification provided. Collection method: literature only. Allele origin: germline. Affected: yes. Not counted in ClinVar's aggregate classification.

Literature cited by the submitters: PubMed 20104584 (cited by Labcorp Genetics (formerly Invitae), Labcorp); PubMed 27836010 (cited by Labcorp Genetics (formerly Invitae), Labcorp); PubMed 11180605 (cited by Labcorp Genetics (formerly Invitae), Labcorp).